The following is an entry in ClinVar:

ClinVar aggregate classification (germline): Likely benign. Review status: criteria provided, multiple submitters, no conflicts (2 of 4 stars). 4 submissions from 4 submitters: Likely benign (2). 2 of the submissions do not count toward it. Last evaluated 2025-12-03.

Conditions:
ABCA4-related disorder. Also called: ABCA4-related disorders; ABCA4-related condition. Identifiers: MedGen CN239167.

Allele frequency attached by ClinVar (database versions not stated): ExAC 0.00001; gnomAD exomes 0.00001 and 0.00004; gnomAD 0.00015 and 0.00016; TOPMed 0.00036.
gnomAD v4.1: 90 of 1,613,994 alleles (0.0056%); highest among the groups gnomAD compares: Admixed American, 0.06%; no homozygotes.

Submissions (4):

Labcorp Genetics (formerly Invitae), Labcorp
Classification: Likely benign. Last evaluated: 2025-12-03. Review status: criteria provided, single submitter. Criteria: Invitae Variant Classification Sherloc (09022015). Collection method: clinical testing. Allele origin: germline.

Blueprint Genetics
Classification: Likely benign. Last evaluated: 2023-06-16. Review status: criteria provided, single submitter. Criteria: ACMG Guidelines, 2015. Collection method: clinical testing. Allele origin: germline.

PreventionGenetics, part of Exact Sciences
Classification: Likely benign for ABCA4-related condition. Last evaluated: 2019-10-30. Review status: no assertion criteria provided. Collection method: clinical testing. Allele origin: germline. Not counted in ClinVar's aggregate classification.
Comment: This variant is classified as likely benign based on ACMG/AMP sequence variant interpretation guidelines (Richards et al. 2015 PMID: 25741868, with internal and published modifications).

Retina International
No classification provided. Review status: no classification provided. Collection method: not provided. Allele origin: not provided. Not counted in ClinVar's aggregate classification.

NM_000350.3(ABCA4):c.2127G>A (p.Ser709=)

Gene: ABCA4 (ATP binding cassette subfamily A member 4; minus strand). Cytogenetic location: 1p22.1.
Variant type: single nucleotide variant.
Coding change: c.2127G>A on transcript NM_000350.3 (MANE Select); coding-DNA position 2127, G replaced by A.
Protein change: p.Ser709=; no amino-acid change (serine 709 retained).
Molecular consequence: synonymous variant.
Genome position (GRCh38, 1-based): chr1:94,060,570, C>T on the plus strand (G>A on the coding strand, the complement: ABCA4 is on the minus strand). VCF-style: chr1-94060570-C-T. GRCh37 (hg19) VCF-style: chr1-94526126-C-T.
Other names: c.2127G>A, p.Ser709= (NM_001425324.1).
Identifiers: ClinVar variation 99118 (VCV000099118.12), dbSNP rs61754025, ClinGen allele CA226980.